The following is an entry in ClinVar:

ClinVar aggregate classification (germline): Uncertain significance. Review status: criteria provided, multiple submitters, no conflicts (2 of 4 stars). 2 submissions from 2 submitters: Uncertain significance (2). Last evaluated 2026-02-01.

Conditions:
Cardiovascular phenotype. Identifiers: MedGen CN230736.
Brugada syndrome. Also called: Sudden Unexplained Death Syndrome; Sudden Unexplained Nocturnal Death Syndrome (SUNDS); Sudden unexpected nocturnal death syndrome; Sudden unexplained nocturnal death syndrome. Identifiers: Orphanet 130, MedGen C1142166, MONDO:0015263.

Allele frequency attached by ClinVar (database versions not stated): TOPMed 0.00002; ExAC 0.00002; gnomAD exomes 0.00003; 1000 Genomes Project 30x 0.00016; gnomAD 0.00002; 1000 Genomes Project 0.00020.
gnomAD v4.1: 49 of 1,614,178 alleles (0.003%); highest among the groups gnomAD compares: East Asian, 0.029%; no homozygotes.

Submissions (2):

Labcorp Genetics (formerly Invitae), Labcorp
Classification: Uncertain significance for Brugada syndrome. Last evaluated: 2026-02-01. Review status: criteria provided, single submitter. Criteria: Invitae Variant Classification Sherloc (09022015). Collection method: clinical testing. Allele origin: germline.
Comment: This sequence change replaces arginine, which is basic and polar, with histidine, which is basic and polar, at codon 844 of the SCN10A protein (p.Arg844His). This variant is present in population databases (rs562091549, gnomAD 0.009%). This missense change has been observed in individual(s) with SCN10A-related conditions (PMID: 25842276, 28407228). ClinVar contains an entry for this variant (Variation ID: 1792704). Invitae Evidence Modeling of protein sequence and biophysical properties (such as structural, functional, and spatial information, amino acid conservation, physicochemical variation, residue mobility, and thermodynamic stability) indicates that this missense variant is expected to disrupt SCN10A protein function with a positive predictive value of 80%. In summary, the available evidence is currently insufficient to determine the role of this variant in disease. Therefore, it has been classified as a Variant of Uncertain Significance.

Ambry Genetics
Classification: Uncertain significance for Cardiovascular phenotype. Last evaluated: 2023-05-19. Review status: criteria provided, single submitter. Criteria: Ambry Variant Classification Scheme 2023. Collection method: clinical testing. Allele origin: germline.
Comment: The p.R844H variant (also known as c.2531G>A), located in coding exon 15 of the SCN10A gene, results from a G to A substitution at nucleotide position 2531. The arginine at codon 844 is replaced by histidine, an amino acid with highly similar properties. This alteration has been reported in a Brugada syndrome cohort and a prolonged QT cohort (Abou Ziki MD et al. Clin Genet, 2018 04;93:741-751; Fukuyama M et al. Europace, 2016 Jun;18:905-11). This amino acid position is highly conserved in available vertebrate species. In addition, this alteration is predicted to be deleterious by in silico analysis. Since supporting evidence is limited at this time, the clinical significance of this alteration remains unclear.

Literature cited by the submitters: PubMed 25842276 (cited by Labcorp Genetics (formerly Invitae), Labcorp and Ambry Genetics); PubMed 28407228 (cited by Labcorp Genetics (formerly Invitae), Labcorp and Ambry Genetics).

NM_006514.4(SCN10A):c.2531G>A (p.Arg844His)

Gene: SCN10A (sodium voltage-gated channel alpha subunit 10; minus strand). Cytogenetic location: 3p22.2.
Variant type: single nucleotide variant.
Coding change: c.2531G>A on transcript NM_006514.4 (MANE Select); coding-DNA position 2531, G replaced by A.
Protein change: p.Arg844His; replaces arginine 844 with histidine.
Molecular consequence: missense variant.
Genome position (GRCh38, 1-based): chr3:38,728,651, C>T on the plus strand (G>A on the coding strand, the complement: SCN10A is on the minus strand). VCF-style: chr3-38728651-C-T. GRCh37 (hg19) VCF-style: chr3-38770142-C-T.
Other names: c.2531G>A, p.Arg844His (NM_001293306.2); c.2237G>A, p.Arg746His (NM_001293307.2); short protein forms R746H, R844H.
Identifiers: ClinVar variation 1792704 (VCV001792704.5), dbSNP rs562091549, ClinGen allele CA2320516.